The following is an entry in ClinVar:

NM_000091.5(COL4A3):c.828+2T>C

Genes: COL4A3 (collagen type IV alpha 3 chain; plus strand), MFF-DT (MFF divergent transcript; minus strand). Cytogenetic location: 2q36.3.
Variant type: single nucleotide variant.
Coding change: c.828+2T>C on transcript NM_000091.5 (MANE Select); the canonical splice donor site of the intron after coding-DNA position 828, T replaced by C.
Molecular consequence: splice donor variant.
Genome position (GRCh38, 1-based): chr2:227,254,176, T>C. VCF-style: chr2-227254176-T-C. GRCh37 (hg19) VCF-style: chr2-228118892-T-C.
Other names: c.828+2T>C (NM_000091.4).
Identifiers: ClinVar variation 1068294 (VCV001068294.9), dbSNP rs1490688611, ClinGen allele CA350866049.
Genomic context (GRCh38, chr2:227,254,176, plus strand): 5'-TCAAGGGGGAAAAGGGAGACAAGGGAGCAATGGGCGAGCCTGGACCTCCTGGACCCTCAG[T>C]AGGTTATTTAAAGTTATATTGTCCCCATAACACATAAAGTAGAGCCTTAGTATTTACTTT-3'

ClinVar aggregate classification (germline): Pathogenic/Likely pathogenic. Review status: criteria provided, multiple submitters, no conflicts (2 of 4 stars). 3 submissions from 3 submitters: Pathogenic (1); Likely pathogenic (2). Last evaluated 2025-12-19.

Conditions:
Alport syndrome. Also called: Hemorrhagic familial nephritis; Hemorrhagic hereditary nephritis; Congenital hereditary hematuria. Identifiers: Orphanet 63, MedGen C1567741, MONDO:0018965.
Alport syndrome 3b, autosomal recessive. Identifiers: MedGen C5882699, MONDO:0957811, OMIM 620536.

Submissions (3):

3billion
Classification: Pathogenic for Alport syndrome 3b, autosomal recessive. Last evaluated: 2025-12-19. Review status: criteria provided, single submitter. Criteria: ACMG Guidelines, 2015. Collection method: clinical testing. Allele origin: germline. Affected: yes.
Comment: The variant is not observed in the gnomAD v4.1.0 dataset. Predicted Consequence/Location: Canonical splice site: predicted to alter splicing and result in a loss or disruption of normal protein function. Multiple pathogenic loss-of-function variants are reported downstream of the variant. In silico tools predict the variant to alter splicing and produce an abnormal transcript [SpliceAI: 0.88 (spliceogenicity >=0.2, non-spliceogenicity <0.1)]. The variant has been reported to be associated with COL4A3-related disorder (ClinVar ID: VCV001068294). Therefore, this variant is classified as Pathogenic according to the recommendation of ACMG/AMP guideline.

Natera, Inc.
Classification: Likely pathogenic for Alport syndrome. Last evaluated: 2024-04-23. Review status: criteria provided, single submitter. Criteria: Natera Variant Classification Schema (03/2026). Collection method: clinical testing. Allele origin: germline.
Comment: The c.828+2T>C variant in COL4A3 is a canonical splice donor site variant predicted to affect pre-mRNA splicing, which may result in an abnormal transcript and altered protein product. This variant is expected to result in nonsense mediated decay, truncation, or a dysfunctional protein product. This variant is rare in the general population with a frequency below the threshold expected for the associated phenotype(s). Given the available evidence, this variant is classified as Likely Pathogenic.

Labcorp Genetics (formerly Invitae), Labcorp
Classification: Likely pathogenic. Last evaluated: 2021-05-26. Review status: criteria provided, single submitter. Criteria: Invitae Variant Classification Sherloc (09022015). Collection method: clinical testing. Allele origin: germline.
Comment: In summary, the currently available evidence indicates that the variant is pathogenic, but additional data are needed to prove that conclusively. Therefore, this variant has been classified as Likely Pathogenic. Donor and acceptor splice site variants typically lead to a loss of protein function (PMID: 16199547), and loss-of-function variants in COL4A3 are known to be pathogenic (PMID: 12028435). Algorithms developed to predict the effect of sequence changes on RNA splicing suggest that this variant may disrupt the consensus splice site, but this prediction has not been confirmed by published transcriptional studies. This variant has not been reported in the literature in individuals with COL4A3-related disease. This variant is not present in population databases (ExAC no frequency). This sequence change affects a donor splice site in intron 14 of the COL4A3 gene. It is expected to disrupt RNA splicing and likely results in an absent or disrupted protein product.

Literature cited by the submitters: PubMed 16199547 (cited by Labcorp Genetics (formerly Invitae), Labcorp); PubMed 12028435 (cited by Labcorp Genetics (formerly Invitae), Labcorp).